The following is an entry in ClinVar:

NM_001130438.3(SPTAN1):c.1512G>A (p.Ala504=)

Gene: SPTAN1 (spectrin alpha, non-erythrocytic 1; plus strand). Cytogenetic location: 9q34.11.
Variant type: single nucleotide variant.
Coding change: c.1512G>A on transcript NM_001130438.3 (MANE Select); coding-DNA position 1512, G replaced by A.
Protein change: p.Ala504=; no amino-acid change (alanine 504 retained).
Molecular consequence: synonymous variant.
Genome position (GRCh38, 1-based): chr9:128,581,832, G>A. VCF-style: chr9-128581832-G-A. GRCh37 (hg19) VCF-style: chr9-131344111-G-A.
Other names: c.1512G>A, p.Ala504= (NM_001195532.2, NM_001363759.2, NM_001363765.2 and 1 more transcripts).
Identifiers: ClinVar variation 378653 (VCV000378653.42), dbSNP rs141424626, ClinGen allele CA5264422.
Genomic context (GRCh38, chr9:128,581,832, plus strand): 5'-CTTTGGCAAGGCGTTCCTGTTGAATGAAGACTTGGGAGATTCCTTGGATAGTGTGGAAGC[G>A]CTTCTTAAGAAGCACGAAGACTTTGAGAAATCCCTTAGTGCCCAGGAGGAAAAGATTACA-3'
Protein context (NP_001123910.1, residues 494-514): DLGDSLDSVE[Ala504=]LLKKHEDFEK

ClinVar aggregate classification (germline): Likely benign. Review status: criteria provided, multiple submitters, no conflicts (2 of 4 stars). 4 submissions from 4 submitters: Likely benign (4). Last evaluated 2025-02-12.

Conditions:
Early-infantile DEE. Also called: Ohtahara syndrome; Early infantile epileptic encephalopathy with suppression bursts; Early infantile epileptic encephalopathy. Identifiers: Orphanet 1934, MedGen C0393706, MONDO:0800491.
Inborn genetic diseases. Identifiers: MedGen C0950123, MeSH D030342.

Allele frequency attached by ClinVar (database versions not stated): ExAC 0.00001; gnomAD exomes 0.00003; gnomAD 0.00006 and 0.00007; TOPMed 0.00007; ESP Exome Variant Server 0.00008; 1000 Genomes Project 30x 0.00016; 1000 Genomes Project 0.00020.
gnomAD v4.1: 35 of 1,614,116 alleles (0.0022%); highest among the groups gnomAD compares: African/African-American, 0.021%; 1 homozygote.

Submissions (4):

Labcorp Genetics (formerly Invitae), Labcorp
Classification: Likely benign for Early-infantile DEE. Last evaluated: 2025-02-12. Review status: criteria provided, single submitter. Criteria: Invitae Variant Classification Sherloc (09022015). Collection method: clinical testing. Allele origin: germline.

CeGaT Center for Human Genetics Tuebingen
Classification: Likely benign. Last evaluated: 2023-03-01. Review status: criteria provided, single submitter. Criteria: CeGaT Center For Human Genetics Tuebingen Variant Classification Criteria Version 2. Collection method: clinical testing. Allele origin: germline. Affected: yes. Observed: 1 variant allele.
Comment: SPTAN1: BP4, BP7

Ambry Genetics
Classification: Likely benign for Inborn genetic diseases. Last evaluated: 2018-03-06. Review status: criteria provided, single submitter. Criteria: Ambry Variant Classification Scheme 2023. Collection method: clinical testing. Allele origin: germline.

GeneDx
Classification: Likely benign. Last evaluated: 2016-01-26. Review status: criteria provided, single submitter. Criteria: GeneDx Variant Classification (06012015). Collection method: clinical testing. Allele origin: germline. Affected: yes.
Comment: This variant is considered likely benign or benign based on one or more of the following criteria: it is a conservative change, it occurs at a poorly conserved position in the protein, it is predicted to be benign by multiple in silico algorithms, and/or has population frequency not consistent with disease.